The following is an entry in ClinVar:

ClinVar aggregate classification (germline): Uncertain significance (1 of 4 stars; one submission).

Conditions:
Developmental and epileptic encephalopathy, 32 (DEE32). Also called: Epileptic encephalopathy, early infantile, 32. Identifiers: Orphanet 442835, MedGen C4225350, MONDO:0014607, OMIM 616366.

Submission:

Labcorp Genetics (formerly Invitae), Labcorp
Classification: Uncertain significance for Developmental and epileptic encephalopathy, 32. Last evaluated: 2024-04-15. Review status: criteria provided, single submitter. Criteria: Invitae Variant Classification Sherloc (09022015). Collection method: clinical testing. Allele origin: germline.
Comment: This sequence change replaces alanine, which is neutral and non-polar, with glycine, which is neutral and non-polar, at codon 395 of the KCNA2 protein (p.Ala395Gly). This variant is not present in population databases (gnomAD no frequency). This variant has not been reported in the literature in individuals affected with KCNA2-related conditions. Advanced modeling of protein sequence and biophysical properties (such as structural, functional, and spatial information, amino acid conservation, physicochemical variation, residue mobility, and thermodynamic stability) performed at Invitae indicates that this missense variant is expected to disrupt KCNA2 protein function with a positive predictive value of 80%. In summary, the available evidence is currently insufficient to determine the role of this variant in disease. Therefore, it has been classified as a Variant of Uncertain Significance.

NM_004974.4(KCNA2):c.1184C>G (p.Ala395Gly)

Gene: KCNA2 (potassium voltage-gated channel subfamily A member 2; minus strand). Cytogenetic location: 1p13.3.
Variant type: single nucleotide variant.
Coding change: c.1184C>G on transcript NM_004974.4 (MANE Select); coding-DNA position 1184, C replaced by G.
Protein change: p.Ala395Gly; replaces alanine 395 with glycine.
Molecular consequence: missense variant. On other transcripts: intron variant (1).
Genome position (GRCh38, 1-based): chr1:110,603,599, G>C on the plus strand (C>G on the coding strand, the complement: KCNA2 is on the minus strand). VCF-style: chr1-110603599-G-C. GRCh37 (hg19) VCF-style: chr1-111146221-G-C.
Other names: c.894+290C>G (NM_001204269.2); short protein forms A395G.
Identifiers: ClinVar variation 2864803 (VCV002864803.3), dbSNP rs1570752776, ClinGen allele CA341601443.